The following is an entry in ClinVar:

NM_000069.3(CACNA1S):c.4173G>A (p.Trp1391Ter)

Gene: CACNA1S (calcium voltage-gated channel subunit alpha1 S; minus strand). Cytogenetic location: 1q32.1.
Variant type: single nucleotide variant.
Coding change: c.4173G>A on transcript NM_000069.3 (MANE Select); coding-DNA position 4173, G replaced by A.
Protein change: p.Trp1391Ter; replaces tryptophan 1391 with a stop codon.
Molecular consequence: nonsense.
Genome position (GRCh38, 1-based): chr1:201,050,457, C>T on the plus strand (G>A on the coding strand, the complement: CACNA1S is on the minus strand). VCF-style: chr1-201050457-C-T. GRCh37 (hg19) VCF-style: chr1-201019585-C-T.
Other names: short protein forms W1391*.
Identifiers: ClinVar variation 1431806 (VCV001431806.6), dbSNP rs761239255, ClinGen allele CA083139.

ClinVar aggregate classification (germline): Pathogenic (1 of 4 stars; one submission).

Conditions:
Hypokalemic periodic paralysis, type 1. Also called: Hypokalemic Periodic Paralysis Type 1 (AD); HypoPP. Identifiers: Orphanet 681, MedGen C3714580, MONDO:0042979, OMIM 170400.
Malignant hyperthermia, susceptibility to, 5 (MHS5). Also called: CACNA1S-Related Malignant Hyperthermia Susceptibility. Identifiers: Orphanet 423, MedGen C1866077, MONDO:0011163, OMIM 601887.

Allele frequency attached by ClinVar (database versions not stated): gnomAD exomes below 0.00001; ExAC 0.00001.
gnomAD v4.1: 2 of 1,614,040 alleles (0.00012%); highest among the groups gnomAD compares: South Asian, 0.0022%; no homozygotes.

Submission:

Labcorp Genetics (formerly Invitae), Labcorp
Classification: Pathogenic for Hypokalemic periodic paralysis, type 1; Malignant hyperthermia, susceptibility to, 5. Last evaluated: 2025-11-18. Review status: criteria provided, single submitter. Criteria: Invitae Variant Classification Sherloc (09022015). Collection method: clinical testing. Allele origin: germline.
Comment: This sequence change creates a premature translational stop signal (p.Trp1391*) in the CACNA1S gene. It is expected to result in an absent or disrupted protein product. Loss-of-function variants in CACNA1S are known to be pathogenic (PMID: 26247046, 28012042). This variant is present in population databases (rs761239255, gnomAD 0.003%). This variant has not been reported in the literature in individuals affected with CACNA1S-related conditions. ClinVar contains an entry for this variant (Variation ID: 1431806). For these reasons, this variant has been classified as Pathogenic.

Literature cited by the submitters: PubMed 26247046; PubMed 28012042.